The following is an entry in ClinVar:

ClinVar aggregate classification (germline): Likely pathogenic (1 of 4 stars; one submission).

Conditions:
Roberts-SC phocomelia syndrome (RBS). Also called: Pseudothalidomide syndrome; Appelt-Gerken-Lenz syndrome; Hypomelia hypotrichosis facial hemangioma syndrome; LONG BONE DEFICIENCIES ASSOCIATED WITH CLEFT LIP-PALATE; ESCO2 Spectrum Disorder. Identifiers: Orphanet 3103, MedGen C0392475, MONDO:0100253, OMIM 268300.

Submission:

Natera, Inc.
Classification: Likely pathogenic for Roberts syndrome. Last evaluated: 2024-06-05. Review status: criteria provided, single submitter. Criteria: Natera Variant Classification Schema (03/2026). Collection method: clinical testing. Allele origin: germline.
Comment: The c.861+1G>T variant in ESCO2 is a canonical splice donor site variant predicted to affect pre-mRNA splicing, which may result in an abnormal transcript and altered protein product. This variant is expected to result in nonsense mediated decay, truncation, or a dysfunctional protein product. This variant is rare in the general population with a frequency below the threshold expected for the associated phenotype(s). Given the available evidence, this variant is classified as Likely Pathogenic.

NM_001017420.3(ESCO2):c.861+1G>T

Gene: ESCO2 (establishment of sister chromatid cohesion N-acetyltransferase 2; plus strand). Cytogenetic location: 8p21.1.
Variant type: single nucleotide variant.
Coding change: c.861+1G>T on transcript NM_001017420.3 (MANE Select); the canonical splice donor site of the intron after coding-DNA position 861, G replaced by T.
Molecular consequence: splice donor variant.
Genome position (GRCh38, 1-based): chr8:27,777,170, G>T. VCF-style: chr8-27777170-G-T. GRCh37 (hg19) VCF-style: chr8-27634687-G-T.
Identifiers: ClinVar variation 4814531 (VCV004814531.1).
Genomic context (GRCh38, chr8:27,777,170, plus strand): 5'-GAGAAATTGAAAATTGGACTACTGAGTGCAAGCAGTAAAAATAAAGAGAAATTAATAAAG[G>T]TAAAGCTAAATATATCACTTTAAAAATGGCTGTATAACAAAACTTCAGTATAAATGACAT-3'